The following is an entry in ClinVar:

NM_005276.4(GPD1):c.835_846+11del

Gene: GPD1 (glycerol-3-phosphate dehydrogenase 1; plus strand). Cytogenetic location: 12q13.12.
Variant type: Deletion.
Coding change: c.835_846+11del on transcript NM_005276.4 (MANE Select); coding-DNA position 835 through 11 bases into the intron after coding-DNA position 846, 23 bases deleted (CGTACAGGAAAGGTGGGCCCCGG).
Molecular consequence: splice donor variant.
Genome position (GRCh38, 1-based): chr12:50,107,789-50,107,811, CGTACAGGAAAGGTGGGCCCCGG deleted; deleting any 23 consecutive bases within chr12:50,107,788-50,107,811 gives the same sequence; the c. name uses the placement nearest the transcript's 3' end. VCF-style (leftmost placement, unchanged base first): chr12-50107787-CGCGTACAGGAAAGGTGGGCCCCG-C. GRCh37 (hg19) VCF-style: chr12-50501570-CGCGTACAGGAAAGGTGGGCCCCG-C.
Other names: c.766_777+11del (NM_001257199.2).
Identifiers: ClinVar variation 4774537 (VCV004774537.1).

ClinVar aggregate classification (germline): Likely pathogenic (1 of 4 stars; one submission).

Submission:

Labcorp Genetics (formerly Invitae), Labcorp
Classification: Likely pathogenic. Last evaluated: 2025-07-19. Review status: criteria provided, single submitter. Criteria: Invitae Variant Classification Sherloc (09022015). Collection method: clinical testing. Allele origin: germline.
Comment: This variant results in the deletion of part of exon 6 (c.835_846+11del) of the GPD1 gene. It is expected to disrupt RNA splicing. Variants that disrupt the donor or acceptor splice site typically lead to a loss of protein function (PMID: 16199547), and loss-of-function variants in GPD1 are known to be pathogenic (PMID: 22226083). This variant is not present in population databases (gnomAD no frequency). This variant has not been reported in the literature in individuals affected with GPD1-related conditions. In summary, the currently available evidence indicates that the variant is pathogenic, but additional data are needed to prove that conclusively. Therefore, this variant has been classified as Likely Pathogenic.

Literature cited by the submitters: PubMed 16199547; PubMed 22226083.